The following is an entry in ClinVar:

NM_002519.3(NPAT):c.1738A>G (p.Ile580Val)

Gene: NPAT (nuclear protein, coactivator of histone transcription; minus strand). Cytogenetic location: 11q22.3.
Variant type: single nucleotide variant.
Coding change: c.1738A>G on transcript NM_002519.3 (MANE Select); coding-DNA position 1738, A replaced by G.
Protein change: p.Ile580Val; replaces isoleucine 580 with valine.
Molecular consequence: missense variant.
Genome position (GRCh38, 1-based): chr11:108,173,246, T>C on the plus strand (A>G on the coding strand, the complement: NPAT is on the minus strand). VCF-style: chr11-108173246-T-C. GRCh37 (hg19) VCF-style: chr11-108043973-T-C.
Other names: c.1738A>G (NM_002519.2); c.1738A>G, p.Ile580Val (NM_001321307.1); short protein forms I580V.
Identifiers: ClinVar variation 2913483 (VCV002913483.5), dbSNP rs2077971980, ClinGen allele CA382514467.

ClinVar aggregate classification (germline): Uncertain significance. Review status: criteria provided, multiple submitters, no conflicts (2 of 4 stars). 2 submissions from 2 submitters: Uncertain significance (2). Last evaluated 2024-05-08.

Allele frequency attached by ClinVar (database versions not stated): TOPMed 0.00001.

Submissions (2):

Ambry Genetics
Classification: Uncertain significance. Last evaluated: 2024-05-08. Review status: criteria provided, single submitter. Criteria: Ambry Variant Classification Scheme 2023. Collection method: clinical testing. Allele origin: germline.

Labcorp Genetics (formerly Invitae), Labcorp
Classification: Uncertain significance. Last evaluated: 2023-05-21. Review status: criteria provided, single submitter. Criteria: Invitae Variant Classification Sherloc (09022015). Collection method: clinical testing. Allele origin: germline.
Comment: In summary, the available evidence is currently insufficient to determine the role of this variant in disease. Therefore, it has been classified as a Variant of Uncertain Significance. Algorithms developed to predict the effect of missense changes on protein structure and function output the following: SIFT: "Not Available"; PolyPhen-2: "Benign"; Align-GVGD: "Not Available". The valine amino acid residue is found in multiple mammalian species, which suggests that this missense change does not adversely affect protein function. This variant has not been reported in the literature in individuals affected with NPAT-related conditions. This variant is not present in population databases (gnomAD no frequency). This sequence change replaces isoleucine, which is neutral and non-polar, with valine, which is neutral and non-polar, at codon 580 of the NPAT protein (p.Ile580Val).